The following is an entry in ClinVar:

NM_000218.3(KCNQ1):c.1394-10136A>G

Genes: KCNQ1 (potassium voltage-gated channel subfamily Q member 1; plus strand), KCNQ1OT1 (KCNQ1 opposite strand/antisense transcript 1; minus strand). Cytogenetic location: 11p15.5.
Variant type: single nucleotide variant.
Coding change: c.1394-10136A>G on transcript NM_000218.3 (MANE Select); 10136 bases into the intron before coding-DNA position 1394, A replaced by G.
Molecular consequence: intron variant. On other transcripts: non-coding transcript variant (1).
Genome position (GRCh38, 1-based): chr11:2,651,825, A>G. VCF-style: chr11-2651825-A-G. GRCh37 (hg19) VCF-style: chr11-2673055-A-G.
Other names: c.1124-10136A>G (NM_001406837.1); c.1298-10136A>G (NM_001406836.1); c.854-10136A>G (NM_001406838.1); c.1013-10136A>G (NM_181798.2).
Identifiers: ClinVar variation 5039603 (VCV005039603.1).

ClinVar aggregate classification (germline): Likely benign (1 of 4 stars; one submission).

gnomAD v4.1: 433 of 398,638 alleles (0.11%); highest among the groups gnomAD compares: African/African-American, 0.79%; 3 homozygotes.

Submission:

CeGaT Center for Human Genetics Tuebingen
Classification: Likely benign. Last evaluated: 2026-07-01. Review status: criteria provided, single submitter. Criteria: CeGaT Center For Human Genetics Tuebingen Variant Classification Criteria Version 2. Collection method: clinical testing. Allele origin: germline. Affected: yes. Observed: 1 variant allele.
Comment: KCNQ1OT1: BS2